The following is an entry in ClinVar:

NM_025099.6(CTC1):c.1874A>G (p.Asp625Gly)

Gene: CTC1 (CST telomere replication complex component 1; minus strand). Cytogenetic location: 17p13.1.
Variant type: single nucleotide variant.
Coding change: c.1874A>G on transcript NM_025099.6 (MANE Select); coding-DNA position 1874, A replaced by G.
Protein change: p.Asp625Gly; replaces aspartic acid 625 with glycine.
Molecular consequence: missense variant. On other transcripts: non-coding transcript variant (1).
Genome position (GRCh38, 1-based): chr17:8,232,977, T>C on the plus strand (A>G on the coding strand, the complement: CTC1 is on the minus strand). VCF-style: chr17-8232977-T-C. GRCh37 (hg19) VCF-style: chr17-8136295-T-C.
Other names: c.1874A>G, p.Asp625Gly (NM_001411067.1); short protein forms D625G.
Identifiers: ClinVar variation 2059343 (VCV002059343.4), dbSNP rs1329059420, ClinGen allele CA397980755.

ClinVar aggregate classification (germline): Uncertain significance (1 of 4 stars; one submission).

Conditions:
Dyskeratosis congenita. Identifiers: Orphanet 1775, MedGen C0265965, MONDO:0015780.

Allele frequency attached by ClinVar (database versions not stated): gnomAD exomes below 0.00001; gnomAD 0.00001.

Submission:

Labcorp Genetics (formerly Invitae), Labcorp
Classification: Uncertain significance for Dyskeratosis congenita. Last evaluated: 2024-10-15. Review status: criteria provided, single submitter. Criteria: Invitae Variant Classification Sherloc (09022015). Collection method: clinical testing. Allele origin: germline.
Comment: This sequence change replaces aspartic acid, which is acidic and polar, with glycine, which is neutral and non-polar, at codon 625 of the CTC1 protein (p.Asp625Gly). This variant is present in population databases (no rsID available, gnomAD 0.002%). This variant has not been reported in the literature in individuals affected with CTC1-related conditions. ClinVar contains an entry for this variant (Variation ID: 2059343). Invitae Evidence Modeling of protein sequence and biophysical properties (such as structural, functional, and spatial information, amino acid conservation, physicochemical variation, residue mobility, and thermodynamic stability) indicates that this missense variant is expected to disrupt CTC1 protein function with a positive predictive value of 80%. In summary, the available evidence is currently insufficient to determine the role of this variant in disease. Therefore, it has been classified as a Variant of Uncertain Significance.